The following is an entry in ClinVar:

ClinVar aggregate classification (germline): Uncertain significance. Review status: criteria provided, multiple submitters, no conflicts (2 of 4 stars). 2 submissions from 2 submitters: Uncertain significance (2). Last evaluated 2024-11-19.

Conditions:
Cardiovascular phenotype. Identifiers: MedGen CN230736.

Allele frequency attached by ClinVar (database versions not stated): gnomAD exomes below 0.00001; TOPMed below 0.00001; ESP Exome Variant Server 0.00008.
gnomAD v4.1: 7 of 1,611,480 alleles (0.00043%); highest among the groups gnomAD compares: Non-Finnish European, 0.00051%; no homozygotes.

Submissions (2):

Labcorp Genetics (formerly Invitae), Labcorp
Classification: Uncertain significance. Last evaluated: 2024-11-19. Review status: criteria provided, single submitter. Criteria: Invitae Variant Classification Sherloc (09022015). Collection method: clinical testing. Allele origin: germline.
Comment: This sequence change replaces threonine, which is neutral and polar, with isoleucine, which is neutral and non-polar, at codon 120 of the LOX protein (p.Thr120Ile). This variant is not present in population databases (gnomAD no frequency). This variant has not been reported in the literature in individuals affected with LOX-related conditions. ClinVar contains an entry for this variant (Variation ID: 1733046). Invitae Evidence Modeling of protein sequence and biophysical properties (such as structural, functional, and spatial information, amino acid conservation, physicochemical variation, residue mobility, and thermodynamic stability) indicates that this missense variant is not expected to disrupt LOX protein function with a negative predictive value of 95%. In summary, the available evidence is currently insufficient to determine the role of this variant in disease. Therefore, it has been classified as a Variant of Uncertain Significance.

Ambry Genetics
Classification: Uncertain significance for Cardiovascular phenotype. Last evaluated: 2020-01-13. Review status: criteria provided, single submitter. Criteria: Ambry Variant Classification Scheme 2023. Collection method: clinical testing. Allele origin: germline.
Comment: The p.T120I variant (also known as c.359C>T), located in coding exon 1 of the LOX gene, results from a C to T substitution at nucleotide position 359. The threonine at codon 120 is replaced by isoleucine, an amino acid with similar properties. This amino acid position is poorly conserved in available vertebrate species. In addition, this alteration is predicted to be tolerated by in silico analysis. Since supporting evidence is limited at this time, the clinical significance of this alteration remains unclear.

NM_002317.7(LOX):c.359C>T (p.Thr120Ile)

Genes: LOX (lysyl oxidase; minus strand), SRFBP1 (serum response factor binding protein 1; plus strand). Cytogenetic location: 5q23.1.
Variant type: single nucleotide variant.
Coding change: c.359C>T on transcript NM_002317.7 (MANE Select); coding-DNA position 359, C replaced by T.
Protein change: p.Thr120Ile; replaces threonine 120 with isoleucine.
Molecular consequence: missense variant.
Genome position (GRCh38, 1-based): chr5:122,077,627, G>A on the plus strand (C>T on the coding strand, the complement: LOX is on the minus strand). VCF-style: chr5-122077627-G-A. GRCh37 (hg19) VCF-style: chr5-121413322-G-A.
Other names: short protein forms T120I.
Identifiers: ClinVar variation 1733046 (VCV001733046.4), dbSNP rs376794473, ClinGen allele CA3384055.
Genomic context (GRCh38, chr5:122,077,627, plus strand): 5'-GAGGCGCCAGCTTCGCGGGCTCTAGATGTCGAGTAGCCAGCTTGGAACCAGTGACGGGCG[G>A]TGGGCCTGGGGCGGCCAGCGGTGACTCCAGATGAGCCGGCCGTCCGCGTTCGCGCCGCGG-3'
Protein context (NP_002308.2, residues 110-130): SGVTAGRPRP[Thr120Ile]ARHWFQAGYS